The following is an entry in ClinVar:

ClinVar aggregate classification (germline): Uncertain significance (1 of 4 stars; one submission).

Conditions:
Cardiovascular phenotype. Identifiers: MedGen CN230736.
Hereditary cancer-predisposing syndrome. Also called: Tumor predisposition; Neoplastic Syndromes, Hereditary; Hereditary Cancer Syndrome; Hereditary neoplastic syndrome. Identifiers: Orphanet 140162, MedGen C0027672, MeSH D009386, MONDO:0015356.

Submission:

Ambry Genetics
Classification: Uncertain significance for Cardiovascular phenotype; Hereditary cancer-predisposing syndrome. Last evaluated: 2025-02-13. Review status: criteria provided, single submitter. Criteria: Ambry Variant Classification Scheme 2023. Collection method: clinical testing. Allele origin: germline.
Comment: The p.K2035R variant (also known as c.6104A>G), located in coding exon 41 of the NF1 gene, results from an A to G substitution at nucleotide position 6104. The lysine at codon 2035 is replaced by arginine, an amino acid with highly similar properties. This amino acid position is conserved. In addition, this alteration is predicted to be tolerated by in silico analysis. Based on the available evidence, the clinical significance of this variant remains unclear.

NM_001042492.3(NF1):c.6167A>G (p.Lys2056Arg)

Gene: NF1 (neurofibromin 1; plus strand). Cytogenetic location: 17q11.2.
Variant type: single nucleotide variant.
Coding change: c.6167A>G on transcript NM_001042492.3 (MANE Select); coding-DNA position 6167, A replaced by G.
Protein change: p.Lys2056Arg; replaces lysine 2056 with arginine.
Molecular consequence: missense variant.
Genome position (GRCh38, 1-based): chr17:31,336,654, A>G. VCF-style: chr17-31336654-A-G. GRCh37 (hg19) VCF-style: chr17-29663672-A-G.
Other names: c.6104A>G, p.Lys2035Arg (NM_000267.4); short protein forms K2035R, K2056R.
Identifiers: ClinVar variation 3879110 (VCV003879110.1).